The following is an entry in ClinVar:

Conditions:
Breast-ovarian cancer, familial, susceptibility to, 1 (BROVCA1). Also called: BRCA1 Hereditary Breast and Ovarian Cancer; OVARIAN CANCER, SUSCEPTIBILITY TO. Identifiers: Orphanet 145, MedGen C2676676, MONDO:0011450, OMIM 604370. Disease mechanism: loss of function.

gnomAD v4.1: 1 of 1,613,932 alleles (0.000062%); no homozygotes.

Submission:

Brotman Baty Institute, University of Washington
No classification provided (evidence only). Condition: Breast-ovarian cancer, familial 1. Review status: no classification provided. Collection method: in vitro. Allele origin: not applicable. Functional consequence: functionally_abnormal.
ClinVar note: "not provided" was previously submitted as the classification for the variant. However, the classification appeared to be based only on an observation of functional data so it was converted to no classification on 2025-07-30.

NM_007294.4(BRCA1):c.5275A>T (p.Lys1759Ter)

Gene: BRCA1 (BRCA1 DNA repair associated; minus strand). Cytogenetic location: 17q21.31.
Variant type: single nucleotide variant.
Coding change: c.5275A>T on transcript NM_007294.4 (MANE Select); coding-DNA position 5275, A replaced by T.
Protein change: p.Lys1759Ter; replaces lysine 1759 with a stop codon.
Molecular consequence: nonsense. On other transcripts: non-coding transcript variant (1).
Genome position (GRCh38, 1-based): chr17:43,057,054, T>A on the plus strand (A>T on the coding strand, the complement: BRCA1 is on the minus strand). VCF-style: chr17-43057054-T-A. GRCh37 (hg19) VCF-style: chr17-41209071-T-A.
Other names: c.4939A>T, p.Lys1647Ter (NM_001407950.1, NM_001407951.1, NM_001407952.1 and 3 more transcripts); c.4768A>T, p.Lys1590Ter (NM_001407965.1); c.4387A>T, p.Lys1463Ter (NM_001407966.1); c.4384A>T, p.Lys1462Ter (NM_001407967.1); c.2671A>T, p.Lys891Ter (NM_001407968.1); c.2668A>T, p.Lys890Ter (NM_001407969.1); c.2032A>T, p.Lys678Ter (NM_001407970.1, NM_001407971.1); c.2029A>T, p.Lys677Ter (NM_001407972.1); and 72 more; short protein forms K1780*, K1759*, K1712*, K655*, K1631*, K1632*, K1647*, K1710*.
Identifiers: ClinVar variation 868248 (VCV000868248.3), dbSNP rs2051496536, ClinGen allele CA10591001.